The following is an entry in ClinVar:

ClinVar aggregate classification (germline): Likely benign. Review status: criteria provided, single submitter (1 of 4 stars). 2 submissions from 2 submitters: Likely benign (1). 1 of the submissions does not count toward it. Last evaluated 2025-03-01.

Conditions:
DCHS1-related disorder. Also called: DCHS1-related condition.

Allele frequency attached by ClinVar (database versions not stated): TOPMed 0.00002; gnomAD exomes 0.00002.
gnomAD v4.1: 11 of 1,588,146 alleles (0.00069%); highest among the groups gnomAD compares: Non-Finnish European, 0.00094%; no homozygotes.

Submissions (2):

Labcorp Genetics (formerly Invitae), Labcorp
Classification: Likely benign. Last evaluated: 2025-03-01. Review status: criteria provided, single submitter. Criteria: Invitae Variant Classification Sherloc (09022015). Collection method: clinical testing. Allele origin: germline.

PreventionGenetics, part of Exact Sciences
Classification: Likely benign for DCHS1-related condition. Last evaluated: 2022-11-09. Review status: no assertion criteria provided. Collection method: clinical testing. Allele origin: germline. Not counted in ClinVar's aggregate classification.
Comment: This variant is classified as likely benign based on ACMG/AMP sequence variant interpretation guidelines (Richards et al. 2015 PMID: 25741868, with internal and published modifications).

NM_003737.4(DCHS1):c.9039A>G (p.Pro3013=)

Gene: DCHS1 (dachsous cadherin-related 1; minus strand). Cytogenetic location: 11p15.4.
Variant type: single nucleotide variant.
Coding change: c.9039A>G on transcript NM_003737.4 (MANE Select); coding-DNA position 9039, A replaced by G.
Protein change: p.Pro3013=; no amino-acid change (proline 3013 retained).
Molecular consequence: synonymous variant.
Genome position (GRCh38, 1-based): chr11:6,622,637, T>C on the plus strand (A>G on the coding strand, the complement: DCHS1 is on the minus strand). VCF-style: chr11-6622637-T-C. GRCh37 (hg19) VCF-style: chr11-6643868-T-C.
Other names: c.9039A>G (NM_003737.3).
Identifiers: ClinVar variation 2071067 (VCV002071067.6), dbSNP rs947274722, ClinGen allele CA217329370.